The following is an entry in ClinVar:

NM_000257.4(MYH7):c.3412G>C (p.Asp1138His)

Gene: MYH7 (myosin heavy chain 7; minus strand). Cytogenetic location: 14q11.2.
Variant type: single nucleotide variant.
Coding change: c.3412G>C on transcript NM_000257.4 (MANE Select); coding-DNA position 3412, G replaced by C.
Protein change: p.Asp1138His; replaces aspartic acid 1138 with histidine.
Molecular consequence: missense variant.
Genome position (GRCh38, 1-based): chr14:23,420,159, C>G on the plus strand (G>C on the coding strand, the complement: MYH7 is on the minus strand). VCF-style: chr14-23420159-C-G. GRCh37 (hg19) VCF-style: chr14-23889368-C-G.
Other names: c.3412G>C, p.Asp1138His (NM_001407004.1); short protein forms D1138H.
Identifiers: ClinVar variation 4758561 (VCV004758561.1).

ClinVar aggregate classification (germline): Uncertain significance (1 of 4 stars; one submission).

Conditions:
Cardiomyopathy (CMYO). Also called: Cardiomyopathies. Identifiers: Orphanet 167848, MedGen C0878544, MONDO:0004994, HP:0001638. Inheritance: Various modes of inheritance.

Submission:

Color Diagnostics, LLC DBA Color Health
Classification: Uncertain significance for Cardiomyopathy. Last evaluated: 2025-12-08. Review status: criteria provided, single submitter. Criteria: ACMG Guidelines, 2015. Collection method: clinical testing. Allele origin: germline.
Comment: This missense variant replaces aspartic acid with histidine at codon 1138 of the MYH7 protein. Computational prediction suggests that this variant may have deleterious impact on protein structure and function. To our knowledge, functional studies have not been reported for this variant. This variant has not been reported in individuals affected with cardiovascular disorders in the literature. This variant has not been identified in the general population by the Genome Aggregation Database (gnomAD). The available evidence is insufficient to determine the role of this variant in disease conclusively. Therefore, this variant is classified as a Variant of Uncertain Significance.